The following is an entry in ClinVar:

ClinVar aggregate classification (germline): Pathogenic (1 of 4 stars; one submission).

Conditions:
PGM1-congenital disorder of glycosylation. Also called: PHOSPHOGLUCOMUTASE 1 DEFICIENCY; PGM1 DEFICIENCY; GLYCOGEN STORAGE DISEASE XIV; GSD XIV; CDG It; Congenital disorder of glycosylation type 1t. Identifiers: Orphanet 319646, MedGen C2752015, MONDO:0013968, OMIM 614921.

Submission:

Juno Genomics, Hangzhou Juno Genomics, Inc
Classification: Pathogenic for PGM1-congenital disorder of glycosylation. Review status: criteria provided, single submitter. Criteria: ACMG Guidelines, 2015. Collection method: clinical testing. Allele origin: germline.
Comment: Absent from controls (or at extremely low frequency if recessive) in Genome Aggregation Database.;Null variant in a gene where loss of function (LOF) is a known mechanism of disease.;For recessive disorders, detected in trans with a pathogenic variant.;Patient's phenotype or family history is highly specific for a disease with a single genetic etiology.

NM_002633.3(PGM1):c.175del (p.Val59fs)

Genes: PGM1 (phosphoglucomutase 1; plus strand), LOC129930668 (ATAC-STARR-seq lymphoblastoid active region 1127; plus strand). Cytogenetic location: 1p31.3.
Variant type: Deletion.
Coding change: c.175del on transcript NM_002633.3 (MANE Select); coding-DNA position 175, one base deleted (G; older notation c.175delG).
Protein change: p.Val59fs; shifts the reading frame from valine 59.
Molecular consequence: frameshift variant.
Genome position (GRCh38, 1-based): chr1:63,593,663, G deleted; the last of 2 consecutive G bases (chr1:63,593,662-63,593,663); deleting either gives the same sequence. VCF-style (leftmost placement, unchanged base first): chr1-63593661-TG-T. GRCh37 (hg19) VCF-style: chr1-64059332-TG-T.
Other names: short protein forms V59fs.
Identifiers: ClinVar variation 5007624 (VCV005007624.2).